The following is an entry in ClinVar:

ClinVar aggregate classification (germline): Likely pathogenic. Review status: criteria provided, multiple submitters, no conflicts (2 of 4 stars). 2 submissions from 2 submitters: Likely pathogenic (2). Last evaluated 2024-10-04.

Conditions:
Leukodystrophy. Identifiers: Orphanet 68356, MedGen C0023520, MONDO:0019046, HP:0002415.
Leukodystrophy, hypomyelinating, 9. Identifiers: Orphanet 438114, MedGen C4015323, MONDO:0014506, OMIM 616140.

Allele frequency attached by ClinVar (database versions not stated): gnomAD exomes 0.00001 and 0.00002; ExAC 0.00002.
gnomAD v4.1: 10 of 1,613,172 alleles (0.00062%); highest among the groups gnomAD compares: South Asian, 0.011%; no homozygotes.

Submissions (2):

Dubai Health Genomic Medicine Center, Dubai Health
Classification: Likely pathogenic for Leukodystrophy. Last evaluated: 2024-10-04. Review status: criteria provided, single submitter. Criteria: ACMG Guidelines, 2015. Collection method: research. Allele origin: germline. Affected: yes.
Comment: PS3,PM3,PM2

Diagnostics Services (NGS), CSIR - Centre For Cellular And Molecular Biology
Classification: Likely pathogenic for Leukodystrophy, hypomyelinating, 9. Last evaluated: 2020-06-10. Review status: criteria provided, single submitter. Criteria: ACMG Guidelines, 2015. Collection method: clinical testing. Allele origin: unknown. Inheritance: Autosomal recessive inheritance. Affected: yes. Observed: 1 homozygote.
Comment: The c.1316C>A variant is not present in publicly available population databases like 1000 Genomes and Exome Variant Server (EVS). It is present in Exome Aggregation Consortium (ExAC), Genome Aggregation Database (gnomAD) and dbSNP at a very low frequency (MAF~0.00002), only in heterozygous state. The variant is not present in our in-house exome database. The variant was not reported to ClinVar, Human Genome Mutation Database database (HGMD) and OMIM databases in any affected individuals. Recently this variant was identified in a similarly affected individual by Mendes et al. [Mendes et al., Ann Clin Transl Neurol, 2020] group with functional validation, however without any animal model studies. In-silico pathogenicity prediction programs like SIFT, Polyphen-3, MutationTaster2, CADD etc. predicted this variant to be likely deleterious. The variant meets our criteria to be classified as likely pathogenic.

NM_002887.4(RARS1):c.1316C>A (p.Ala439Asp)

Gene: RARS1 (arginyl-tRNA synthetase 1; plus strand). Cytogenetic location: 5q34.
Variant type: single nucleotide variant.
Coding change: c.1316C>A on transcript NM_002887.4 (MANE Select); coding-DNA position 1316, C replaced by A.
Protein change: p.Ala439Asp; replaces alanine 439 with aspartic acid.
Molecular consequence: missense variant.
Genome position (GRCh38, 1-based): chr5:168,506,801, C>A. VCF-style: chr5-168506801-C-A. GRCh37 (hg19) VCF-style: chr5-167933806-C-A.
Other names: c.1316C>A (NM_002887.3); short protein forms A439D.
Identifiers: ClinVar variation 977922 (VCV000977922.6), dbSNP rs779915495, ClinGen allele CA3549893.
Genomic context (GRCh38, chr5:168,506,801, plus strand): 5'-TATTTGCTGCTGCTCAAATGATTGGTTGGTATGACCCTAAAGTAACTCGAGTCTTCCATG[C>A]TGGATTTGGTGTGGTGCTAGGGGAAGACAAGTAAGTCTGGAAAATCTGAAGATGGTAATG-3'
Protein context (NP_002878.2, residues 429-449): YDPKVTRVFH[Ala439Asp]GFGVVLGEDK